The following is an entry in ClinVar:

ClinVar aggregate classification (germline): Uncertain significance. Review status: criteria provided, multiple submitters, no conflicts (2 of 4 stars). 2 submissions from 2 submitters: Uncertain significance (2). Last evaluated 2025-01-06.

Allele frequency attached by ClinVar (database versions not stated): gnomAD exomes below 0.00001 and 0.00002; ExAC 0.00001; TOPMed 0.00003.
gnomAD v4.1: 7 of 1,614,134 alleles (0.00043%); highest among the groups gnomAD compares: Admixed American, 0.0083%; no homozygotes.

Submissions (2):

Labcorp Genetics (formerly Invitae), Labcorp
Classification: Uncertain significance. Last evaluated: 2025-01-06. Review status: criteria provided, single submitter. Criteria: Invitae Variant Classification Sherloc (09022015). Collection method: clinical testing. Allele origin: germline.
Comment: This sequence change replaces proline, which is neutral and non-polar, with serine, which is neutral and polar, at codon 446 of the IFNAR2 protein (p.Pro446Ser). This variant is present in population databases (rs749487628, gnomAD 0.01%). This variant has not been reported in the literature in individuals affected with IFNAR2-related conditions. ClinVar contains an entry for this variant (Variation ID: 1443693). An algorithm developed to predict the effect of missense changes on protein structure and function outputs the following: PolyPhen-2: "Benign". The serine amino acid residue is found in multiple mammalian species, which suggests that this missense change does not adversely affect protein function. In summary, the available evidence is currently insufficient to determine the role of this variant in disease. Therefore, it has been classified as a Variant of Uncertain Significance.

Breakthrough Genomics
Classification: Uncertain significance. Review status: criteria provided, single submitter. Criteria: ACMG Guidelines, 2015. Collection method: not provided. Allele origin: germline. Inheritance: Autosomal dominant inheritance. Affected: yes.

NM_001289125.3(IFNAR2):c.1336C>T (p.Pro446Ser)

Genes: IFNAR2 (interferon alpha and beta receptor subunit 2; plus strand), IFNAR2-IL10RB (IFNAR2-IL10RB readthrough; plus strand). Cytogenetic location: 21q22.11.
Variant type: single nucleotide variant.
Coding change: c.1336C>T on transcript NM_001289125.3 (MANE Select); coding-DNA position 1336, C replaced by T.
Protein change: p.Pro446Ser; replaces proline 446 with serine.
Molecular consequence: missense variant. On other transcripts: 3 prime UTR variant (5), intron variant (1).
Genome position (GRCh38, 1-based): chr21:33,263,288, C>T. VCF-style: chr21-33263288-C-T. GRCh37 (hg19) VCF-style: chr21-34635593-C-T.
Other names: c.*572C>T (NM_000874.5, NM_207584.3); c.*485C>T (NM_001289126.2, NM_001289128.2); c.*711C>T (NM_001385054.1); c.1336C>T, p.Pro446Ser (NM_207585.3); c.1318+18C>T (NM_001385055.1); short protein forms P446S.
Identifiers: ClinVar variation 1443693 (VCV001443693.5), dbSNP rs749487628, ClinGen allele CA10005968.
Genomic context (GRCh38, chr21:33,263,288, plus strand): 5'-GACTTAAACTCTGTGTTTTTGAGAGTTCTTGATGACGAGGACAGTGACGACTTAGAAGCC[C>T]CTCTGATGCTATCGTCTCATCTGGAAGAGATGGTTGACCCAGAGGATCCTGATAATGTGC-3'
Protein context (NP_001276054.1, residues 436-456): DDEDSDDLEA[Pro446Ser]LMLSSHLEEM